The following is an entry in ClinVar:

ClinVar aggregate classification (germline): Uncertain significance (1 of 4 stars; one submission).

Submission:

Labcorp Genetics (formerly Invitae), Labcorp
Classification: Uncertain significance. Last evaluated: 2021-02-09. Review status: criteria provided, single submitter. Criteria: Invitae Variant Classification Sherloc (09022015). Collection method: clinical testing. Allele origin: germline.
Comment: In summary, this variant is a novel missense change that is not predicted to affect protein function. There is no indication that it causes disease, but the available evidence is currently insufficient to prove that conclusively. Therefore, it has been classified as a Variant of Uncertain Significance. Algorithms developed to predict the effect of missense changes on protein structure and function (SIFT, PolyPhen-2, Align-GVGD) all suggest that this variant is likely to be tolerated, but these predictions have not been confirmed by published functional studies. This variant is not present in population databases (ExAC no frequency) and has not been reported in the literature in individuals with an NSD1-related disease. This sequence change replaces glycine with valine at codon 1364 of the NSD1 protein (p.Gly1364Val). The glycine residue is weakly conserved and there is a moderate physicochemical difference between glycine and valine.

NM_022455.5(NSD1):c.4091G>T (p.Gly1364Val)

Gene: NSD1 (nuclear receptor binding SET domain protein 1; plus strand). Cytogenetic location: 5q35.3.
Variant type: single nucleotide variant.
Coding change: c.4091G>T on transcript NM_022455.5 (MANE Select); coding-DNA position 4091, G replaced by T.
Protein change: p.Gly1364Val; replaces glycine 1364 with valine.
Molecular consequence: missense variant.
Genome position (GRCh38, 1-based): chr5:177,238,406, G>T. VCF-style: chr5-177238406-G-T. GRCh37 (hg19) VCF-style: chr5-176665407-G-T.
Other names: c.3218G>T, p.Gly1073Val (NM_001365684.2, NM_001409306.1, NM_001409307.1 and 3 more transcripts); c.4091G>T, p.Gly1364Val (NM_001409301.1, NM_001409302.1, NM_001409303.1); c.3671G>T, p.Gly1224Val (NM_001409304.1); c.3338G>T, p.Gly1113Val (NM_001409305.1); short protein forms G1364V, G1095V, G1224V, G1073V, G1113V.
Identifiers: ClinVar variation 454051 (VCV000454051.10), dbSNP rs1554195876, ClinGen allele CA362340931.